The following is an entry in ClinVar:

NM_002890.3(RASA1):c.1504G>T (p.Ala502Ser)

Genes: CCNH (cyclin H; minus strand), RASA1 (RAS p21 protein activator 1; plus strand). Cytogenetic location: 5q14.3.
Variant type: single nucleotide variant.
Coding change: c.1504G>T on transcript NM_002890.3 (MANE Select); coding-DNA position 1504, G replaced by T.
Protein change: p.Ala502Ser; replaces alanine 502 with serine.
Molecular consequence: missense variant. On other transcripts: intron variant (1).
Genome position (GRCh38, 1-based): chr5:87,363,398, G>T. VCF-style: chr5-87363398-G-T. GRCh37 (hg19) VCF-style: chr5-86659215-G-T.
Other names: c.1504G>T (NM_002890.2); c.973G>T, p.Ala325Ser (NM_022650.3); c.933+31646C>A (NM_001364075.2); short protein forms A325S, A502S.
Identifiers: ClinVar variation 2509750 (VCV002509750.5), dbSNP rs778999159, ClinGen allele CA3335776.

ClinVar aggregate classification (germline): Likely benign. Review status: criteria provided, single submitter (1 of 4 stars). 2 submissions from 2 submitters: Likely benign (1). 1 of the submissions does not count toward it. Last evaluated 2024-08-19.

Conditions:
Cardiovascular phenotype. Identifiers: MedGen CN230736.
RASA1-related disorder. Also called: RASA1-related condition.

Allele frequency attached by ClinVar (database versions not stated): TOPMed 0.00002; ExAC 0.00020.
gnomAD v4.1: 60 of 1,610,750 alleles (0.0037%); highest among the groups gnomAD compares: Admixed American, 0.073%; 1 homozygote.

Submissions (2):

Ambry Genetics
Classification: Likely benign for Cardiovascular phenotype. Last evaluated: 2024-08-19. Review status: criteria provided, single submitter. Criteria: Ambry Variant Classification Scheme 2023. Collection method: clinical testing. Allele origin: germline.

PreventionGenetics, part of Exact Sciences
Classification: Likely benign for RASA1-related condition. Last evaluated: 2022-06-29. Review status: no assertion criteria provided. Collection method: clinical testing. Allele origin: germline. Not counted in ClinVar's aggregate classification.
Comment: This variant is classified as likely benign based on ACMG/AMP sequence variant interpretation guidelines (Richards et al. 2015 PMID: 25741868, with internal and published modifications).